The following is an entry in ClinVar:

NM_000377.3(WAS):c.1338+9A>C

Gene: WAS (WASP actin nucleation promoting factor; plus strand). Cytogenetic location: Xp11.23.
Variant type: single nucleotide variant.
Coding change: c.1338+9A>C on transcript NM_000377.3 (MANE Select); 9 bases into the intron after coding-DNA position 1338, A replaced by C.
Molecular consequence: intron variant.
Genome position (GRCh38, 1-based): chrX:48,689,075, A>C. VCF-style: chrX-48689075-A-C. GRCh37 (hg19) VCF-style: chrX-48547464-A-C.
Identifiers: ClinVar variation 2930297 (VCV002930297.4), dbSNP rs908139594, ClinGen allele CA329102532.

ClinVar aggregate classification (germline): Likely benign. Review status: criteria provided, multiple submitters, no conflicts (2 of 4 stars). 2 submissions from 2 submitters: Likely benign (2). Last evaluated 2024-07-12.

Conditions:
Wiskott-Aldrich syndrome (WAS). Also called: ALDRICH SYNDROME; IMMUNODEFICIENCY 2; WISKOTT-ALDRICH SYNDROME 1; Wiskott-aldrich syndrome, somatic. Identifiers: Orphanet 906, MedGen C0043194, MONDO:0010518, OMIM 301000.
X-linked severe congenital neutropenia (SCNX). Identifiers: Orphanet 86788, MedGen C1845987, MONDO:0010294, OMIM 300299.
Thrombocytopenia 1. Also called: X-linked thrombocytopenia with normal platelets; X-Linked Thrombocytopenia (XLT); THROMBOCYTOPENIA, X-LINKED, 1. Identifiers: Orphanet 268322, Orphanet 852, MedGen C1839163, MONDO:0010743, OMIM 313900.

Allele frequency attached by ClinVar (database versions not stated): TOPMed 0.00008; gnomAD exomes below 0.00001; gnomAD 0.00005.
gnomAD v4.1: 8 of 1,194,695 alleles (0.00067%); highest among the groups gnomAD compares: African/African-American, 0.011%; no homozygotes.

Submissions (2):

Women's Health and Genetics/Laboratory Corporation of America, LabCorp
Classification: Likely benign. Last evaluated: 2024-07-12. Review status: criteria provided, single submitter. Criteria: LabCorp Variant Classification Summary - May 2015. Collection method: clinical testing. Allele origin: germline.
Comment: Variant summary: WAS c.1338+9A>C alters a non-conserved nucleotide located at a position not widely known to affect splicing. Consensus agreement among computation tools predict no significant impact on normal splicing. However, these predictions have yet to be confirmed by functional studies. The variant allele was found at a frequency of 1.2e-05 in 165935 control chromosomes (gnomAD). The available data on variant occurrences in the general population are insufficient to allow any conclusion about variant significance. To our knowledge, no occurrence of c.1338+9A>C in individuals affected with Wiskott-Aldrich Syndrome and no experimental evidence demonstrating its impact on protein function have been reported. ClinVar contains an entry for this variant (Variation ID: 2930297). Based on the evidence outlined above, the variant was classified as likely benign.

Labcorp Genetics (formerly Invitae), Labcorp
Classification: Likely benign for Wiskott-Aldrich syndrome; X-linked severe congenital neutropenia; Thrombocytopenia 1. Last evaluated: 2023-09-17. Review status: criteria provided, single submitter. Criteria: Invitae Variant Classification Sherloc (09022015). Collection method: clinical testing. Allele origin: germline.